The following is an entry in ClinVar:

ClinVar aggregate classification (germline): Uncertain significance (1 of 4 stars; one submission).

Allele frequency attached by ClinVar (database versions not stated): TOPMed 0.00001.

Submission:

Labcorp Genetics (formerly Invitae), Labcorp
Classification: Uncertain significance. Last evaluated: 2020-07-01. Review status: criteria provided, single submitter. Criteria: Invitae Variant Classification Sherloc (09022015). Collection method: clinical testing. Allele origin: germline.
Comment: The frequency data for this variant in the population databases is considered unreliable, as metrics indicate insufficient coverage at this position in the ExAC database. This variant has not been reported in the literature in individuals with GRM6-related conditions. Algorithms developed to predict the effect of missense changes on protein structure and function are either unavailable or do not agree on the potential impact of this missense change (SIFT: "Deleterious"; PolyPhen-2: "Probably Damaging"; Align-GVGD: "Class C15"). In summary, the available evidence is currently insufficient to determine the role of this variant in disease. Therefore, it has been classified as a Variant of Uncertain Significance. This sequence change replaces serine with phenylalanine at codon 157 of the GRM6 protein (p.Ser157Phe). The serine residue is highly conserved and there is a large physicochemical difference between serine and phenylalanine.

NM_000843.4(GRM6):c.470C>T (p.Ser157Phe)

Gene: GRM6 (glutamate metabotropic receptor 6; minus strand). Cytogenetic location: 5q35.3.
Variant type: single nucleotide variant.
Coding change: c.470C>T on transcript NM_000843.4 (MANE Select); coding-DNA position 470, C replaced by T.
Protein change: p.Ser157Phe; replaces serine 157 with phenylalanine.
Molecular consequence: missense variant.
Genome position (GRCh38, 1-based): chr5:178,994,475, G>A on the plus strand (C>T on the coding strand, the complement: GRM6 is on the minus strand). VCF-style: chr5-178994475-G-A. GRCh37 (hg19) VCF-style: chr5-178421476-G-A.
Other names: short protein forms S157F.
Identifiers: ClinVar variation 1044491 (VCV001044491.8), dbSNP rs1404610311, ClinGen allele CA362435649.